The following is an entry in ClinVar:

ClinVar aggregate classification (germline): Benign. Review status: criteria provided, multiple submitters, no conflicts (2 of 4 stars). 4 submissions from 4 submitters: Benign (3). 1 of the submissions does not count toward it. Last evaluated 2025-04-09.

Conditions:
NRAP-related disorder. Also called: NRAP-related condition.

Allele frequency attached by ClinVar (database versions not stated): gnomAD 0.43587 and 0.43922; TOPMed 0.44093; ESP Exome Variant Server 0.44233; 1000 Genomes Project 30x 0.46096; gnomAD exomes 0.46304; ExAC 0.46491; 1000 Genomes Project 0.46945.
gnomAD v4.1: 748,503 of 1,582,230 alleles (47%); highest among the groups gnomAD compares: East Asian, 61%; 181,070 homozygotes.

Submissions (4):

Molecular Diagnostic Laboratory for Inherited Cardiovascular Disease, Montreal Heart Institute
Classification: Benign. Last evaluated: 2025-04-09. Review status: criteria provided, single submitter. Criteria: ACMG Guidelines, 2015. Collection method: clinical testing. Allele origin: germline. Affected: no.

GeneDx
Classification: Benign. Last evaluated: 2021-05-04. Review status: criteria provided, single submitter. Criteria: GeneDx Variant Classification Process June 2021. Collection method: clinical testing. Allele origin: germline. Affected: yes.

Breakthrough Genomics
Classification: Benign. Review status: criteria provided, single submitter. Criteria: ACMG Guidelines, 2015. Collection method: not provided. Allele origin: germline. Inheritance: Unknown mechanism. Affected: yes.

PreventionGenetics, part of Exact Sciences
Classification: Benign for NRAP-related condition. Last evaluated: 2019-10-17. Review status: no assertion criteria provided. Collection method: clinical testing. Allele origin: germline. Not counted in ClinVar's aggregate classification.
Comment: This variant is classified as benign based on ACMG/AMP sequence variant interpretation guidelines (Richards et al. 2015 PMID: 25741868, with internal and published modifications).

NM_198060.4(NRAP):c.3567T>C (p.Ile1189=)

Gene: NRAP (nebulin related anchoring protein; minus strand). Cytogenetic location: 10q25.3.
Variant type: single nucleotide variant.
Coding change: c.3567T>C on transcript NM_198060.4 (MANE Select); coding-DNA position 3567, T replaced by C.
Protein change: p.Ile1189=; no amino-acid change (isoleucine 1189 retained).
Molecular consequence: synonymous variant.
Genome position (GRCh38, 1-based): chr10:113,610,495, A>G on the plus strand (T>C on the coding strand, the complement: NRAP is on the minus strand). VCF-style: chr10-113610495-A-G. GRCh37 (hg19) VCF-style: chr10-115370254-A-G.
Other names: c.3567T>C, p.Ile1189= (NM_001261463.2); c.3459T>C, p.Ile1153= (NM_001322945.2); c.3462T>C, p.Ile1154= (NM_006175.5).
Identifiers: ClinVar variation 1182004 (VCV001182004.6), dbSNP rs12243176, ClinGen allele CA5694748.